The following is an entry in ClinVar:

NM_014921.5(ADGRL1):c.306C>T (p.Cys102=)

Genes: ADGRL1 (adhesion G protein-coupled receptor L1; minus strand), ADGRL1-AS1 (ADGRL1 antisense RNA 1; plus strand). Cytogenetic location: 19p13.12.
Variant type: single nucleotide variant.
Coding change: c.306C>T on transcript NM_014921.5 (MANE Select); coding-DNA position 306, C replaced by T.
Protein change: p.Cys102=; no amino-acid change (cysteine 102 retained).
Molecular consequence: synonymous variant. On other transcripts: non-coding transcript variant (1).
Genome position (GRCh38, 1-based): chr19:14,170,770, G>A on the plus strand (C>T on the coding strand, the complement: ADGRL1 is on the minus strand). VCF-style: chr19-14170770-G-A. GRCh37 (hg19) VCF-style: chr19-14281582-G-A.
Other names: c.306C>T, p.Cys102= (NM_001008701.3).
Identifiers: ClinVar variation 3904971 (VCV003904971.10).
Genomic context (GRCh38, chr19:14,170,770, plus strand): 5'-CAGGTACTTGTAGGTCCCAGGACAGGGGTCAGGAAAGGCATCCGAGCCGGCGACCACCAC[G>A]CACTGGGTGCGGTTGTTACACCTTCAGAGGAGAAACAGGGCATTGGGAAAGAAACACATA-3'
Protein context (NP_055736.2, residues 92-112): MSQRCNNRTQ[Cys102=]VVVAGSDAFP

ClinVar aggregate classification (germline): Likely benign (1 of 4 stars; one submission).

gnomAD v4.1: 2,657 of 1,607,258 alleles (0.17%); highest among the groups gnomAD compares: Middle Eastern, 0.38%; 7 homozygotes.

Submission:

CeGaT Center for Human Genetics Tuebingen
Classification: Likely benign. Last evaluated: 2026-02-01. Review status: criteria provided, single submitter. Criteria: CeGaT Center For Human Genetics Tuebingen Variant Classification Criteria Version 2. Collection method: clinical testing. Allele origin: germline. Affected: yes. Observed: 3 variant alleles.
Comment: ADGRL1: BP4, BP7, BS1